The following is an entry in ClinVar:

ClinVar aggregate classification (germline): Uncertain significance (1 of 4 stars; one submission).

Conditions:
Neuronal ceroid lipofuscinosis. Also called: Neuronal Ceroid Lipofuscinoses. Identifiers: Orphanet 216, Orphanet 79263, MedGen C0027877, MONDO:0016295. Disease mechanism: loss of function.

Allele frequency attached by ClinVar (database versions not stated): gnomAD exomes below 0.00001 and 0.00001; TOPMed below 0.00001; ExAC 0.00001; gnomAD 0.00001.
gnomAD v4.1: 6 of 1,611,328 alleles (0.00037%); highest among the groups gnomAD compares: East Asian, 0.0045%; no homozygotes.

Submission:

Labcorp Genetics (formerly Invitae), Labcorp
Classification: Uncertain significance for Neuronal ceroid lipofuscinosis. Last evaluated: 2021-08-30. Review status: criteria provided, single submitter. Criteria: Invitae Variant Classification Sherloc (09022015). Collection method: clinical testing. Allele origin: germline.
Comment: This sequence change replaces alanine with valine at codon 163 of the CTSD protein (p.Ala163Val). The alanine residue is weakly conserved and there is a small physicochemical difference between alanine and valine. This variant is present in population databases (rs772976217, ExAC 0.007%). This variant has not been reported in the literature in individuals affected with CTSD-related conditions. Algorithms developed to predict the effect of missense changes on protein structure and function output the following: SIFT: "Tolerated"; PolyPhen-2: "Benign"; Align-GVGD: "Class C0". The valine amino acid residue is found in multiple mammalian species, which suggests that this missense change does not adversely affect protein function. In summary, the available evidence is currently insufficient to determine the role of this variant in disease. Therefore, it has been classified as a Variant of Uncertain Significance.

NM_001909.5(CTSD):c.488C>T (p.Ala163Val)

Gene: CTSD (cathepsin D; minus strand). Cytogenetic location: 11p15.5.
Variant type: single nucleotide variant.
Coding change: c.488C>T on transcript NM_001909.5 (MANE Select); coding-DNA position 488, C replaced by T.
Protein change: p.Ala163Val; replaces alanine 163 with valine.
Molecular consequence: missense variant.
Genome position (GRCh38, 1-based): chr11:1,757,540, G>A on the plus strand (C>T on the coding strand, the complement: CTSD is on the minus strand). VCF-style: chr11-1757540-G-A. GRCh37 (hg19) VCF-style: chr11-1778770-G-A.
Other names: short protein forms A163V.
Identifiers: ClinVar variation 409622 (VCV000409622.8), dbSNP rs772976217, ClinGen allele CA5814154.